The following is an entry in ClinVar:

ClinVar aggregate classification (germline): Likely pathogenic (0 of 4 stars; one submission).

Submission:

Leiden Open Variation Database
Classification: Likely pathogenic. Last evaluated: 2021-04-06. Review status: no assertion criteria provided. Collection method: curation. Allele origin: germline. Affected: yes.
Comment: Curator: Global Variome, with Curator vacancy. Submitter to LOVD: Manon Peeters.

NM_000322.5(PRPH2):c.112G>T (p.Gly38Ter)

Gene: PRPH2 (peripherin 2; minus strand). Cytogenetic location: 6p21.1.
Variant type: single nucleotide variant.
Coding change: c.112G>T on transcript NM_000322.5 (MANE Select); coding-DNA position 112, G replaced by T.
Protein change: p.Gly38Ter; replaces glycine 38 with a stop codon.
Molecular consequence: nonsense.
Genome position (GRCh38, 1-based): chr6:42,722,223, C>A on the plus strand (G>T on the coding strand, the complement: PRPH2 is on the minus strand). VCF-style: chr6-42722223-C-A. GRCh37 (hg19) VCF-style: chr6-42689961-C-A.
Other names: short protein forms G38*.
Identifiers: ClinVar variation 1175248 (VCV001175248.1), dbSNP rs1761918414, ClinGen allele CA364138745.
Genomic context (GRCh38, chr6:42,722,223, plus strand): 5'-GGCTCTCAGAATTATTCATCACATCGCTCCTCTTTCGGAGTTCAATCTTCAGGAACAGTC[C>A]TAGGCTGAAGATGATGATGCCAGCCAACACGGAGAACCAGTTCATGAGCCAGAGCCCTTG-3'